The following is an entry in ClinVar:

ClinVar aggregate classification (germline): Pathogenic (1 of 4 stars; one submission).

Conditions:
Duchenne muscular dystrophy (DMD). Also called: Duchenne Muscular Dystrophy (DMD); MUSCULAR DYSTROPHY, PSEUDOHYPERTROPHIC PROGRESSIVE, DUCHENNE TYPE. Identifiers: Orphanet 98896, MedGen C0013264, MONDO:0010679, OMIM 310200.

Submission:

Labcorp Genetics (formerly Invitae), Labcorp
Classification: Pathogenic for Duchenne muscular dystrophy. Last evaluated: 2017-11-30. Review status: criteria provided, single submitter. Criteria: Invitae Variant Classification Sherloc (09022015). Collection method: clinical testing. Allele origin: germline.
Comment: This variant is a gross deletion of the genomic region encompassing the final 12 amino acids in exon 43 of the DMD gene, including the exon 43-intron 43 boundary (c.6251_6290+12981del). This likely creates a premature translation stop signal and is expected to result in an absent or disrupted protein product. This variant is not present in population databases (ExAC no frequency). While this particular variant has not been reported in the literature, loss-of-function variants in DMD are known to be pathogenic (PMID: 16770791). For these reasons, this variant has been classified as Pathogenic.

Literature cited by the submitters: PubMed 16770791.

NM_004006.2(DMD):c.6251_6290+12981del

Gene: DMD (dystrophin; minus strand). Cytogenetic location: Xp21.1.
Variant type: Deletion.
Coding change: c.6251_6290+12981del on transcript NM_004006.2; coding-DNA position 6251 through 12981 bases into the intron after coding-DNA position 6290, this stretch deleted.
Other names: c.6251_6290+12981del (LRG_199t1).
Identifiers: ClinVar variation 526055 (VCV000526055.1).